The following is an entry in ClinVar:

ClinVar aggregate classification (germline): Benign. Review status: criteria provided, multiple submitters, no conflicts (2 of 4 stars). 9 submissions from 7 submitters: Benign (7). 2 of the submissions do not count toward it. Last evaluated 2026-02-04.

Conditions:
Neurodevelopmental disorder with hyperkinetic movements and dyskinesia. Identifiers: MedGen C5562038, MONDO:0859211, OMIM 619651.
Dyskinesia with orofacial involvement, autosomal recessive. Identifiers: MedGen C5562036, MONDO:0030625, OMIM 619647.
Dyskinesia with orofacial involvement, autosomal dominant (DSKOD). Also called: Dyskinesia, familial, with facial myokymia; Familial dyskinesia and facial myokymia; Familial Dyskinesia with Facial Myokymia (FDFM). Identifiers: Orphanet 324588, MedGen C1847627, MONDO:0800028, OMIM 606703.

Allele frequency attached by ClinVar (database versions not stated): gnomAD exomes 0.79896 and 0.80761; gnomAD 0.79906 and 0.79981; ESP Exome Variant Server 0.80094; ExAC 0.80095; TOPMed 0.80192; 1000 Genomes Project 0.80671; 1000 Genomes Project 30x 0.80778.
gnomAD v4.1: 1,301,433 of 1,613,414 alleles (81%); highest among the groups gnomAD compares: East Asian, 89%; 525,509 homozygotes.

Submissions (9):

Labcorp Genetics (formerly Invitae), Labcorp
Classification: Benign. Last evaluated: 2026-02-04. Review status: criteria provided, single submitter. Criteria: Invitae Variant Classification Sherloc (09022015). Collection method: clinical testing. Allele origin: germline.

Unidad de Genómica Garrahan, Hospital de Pediatría Garrahan
Classification: Benign. Last evaluated: 2024-07-31. Review status: criteria provided, single submitter. Criteria: ACMG Guidelines, 2015. Collection method: clinical testing. Allele origin: germline. Affected: no. Observed: 88 variant alleles.
Comment: This variant is classified as Benign based on local population frequency. This variant was detected in 95% of patients studied in a panel designed for Epileptic and Developmental Encephalopathy, Progressive Myoclonus Epilepsy and Abnormal Movements and Neurodegeneration with brain iron accumulation. Number of patients: 88. Only high quality variants are reported.

Genome-Nilou Lab
Classification: Benign for Dyskinesia with orofacial involvement, autosomal recessive. Last evaluated: 2021-12-05. Review status: criteria provided, single submitter. Criteria: ACMG Guidelines, 2015. Collection method: clinical testing. Allele origin: germline. Affected: no.

Genome-Nilou Lab
Classification: Benign for Neurodevelopmental disorder with hyperkinetic movements and dyskinesia. Last evaluated: 2021-12-05. Review status: criteria provided, single submitter. Criteria: ACMG Guidelines, 2015. Collection method: clinical testing. Allele origin: germline. Affected: no.

Genome-Nilou Lab
Classification: Benign for Dyskinesia with orofacial involvement, autosomal dominant. Last evaluated: 2021-07-14. Review status: criteria provided, single submitter. Criteria: ACMG Guidelines, 2015. Collection method: clinical testing. Allele origin: germline. Affected: no.

GeneDx
Classification: Benign. Last evaluated: 2018-07-18. Review status: criteria provided, single submitter. Criteria: GeneDx Variant Classification Process June 2021. Collection method: clinical testing. Allele origin: germline. Affected: yes.

Breakthrough Genomics
Classification: Benign. Review status: criteria provided, single submitter. Criteria: ACMG Guidelines, 2015. Collection method: not provided. Allele origin: germline. Inheritance: Autosomal recessive inheritance. Affected: yes.

Diagnostic Laboratory, Department of Genetics, University Medical Center Groningen
Classification: Benign. Review status: no assertion criteria provided. Collection method: clinical testing. Allele origin: germline. Affected: yes. Study: VKGL Data-share Consensus. Not counted in ClinVar's aggregate classification.

Joint Genome Diagnostic Labs from Nijmegen and Maastricht, Radboudumc and MUMC+
Classification: Benign. Review status: no assertion criteria provided. Collection method: clinical testing. Allele origin: germline. Affected: yes. Study: VKGL Data-share Consensus. Not counted in ClinVar's aggregate classification.

NM_183357.3(ADCY5):c.2900+4T>C

Gene: ADCY5 (adenylate cyclase 5; minus strand). Cytogenetic location: 3q21.1.
Variant type: single nucleotide variant.
Coding change: c.2900+4T>C on transcript NM_183357.3 (MANE Select); 4 bases into the intron after coding-DNA position 2900, T replaced by C.
Molecular consequence: intron variant.
Genome position (GRCh38, 1-based): chr3:123,300,116, A>G on the plus strand (T>C on the coding strand, the complement: ADCY5 is on the minus strand). VCF-style: chr3-123300116-A-G. GRCh37 (hg19) VCF-style: chr3-123018963-A-G.
Other names: c.1850+4T>C (NM_001199642.1); c.2900+4T>C (NM_001378259.1).
Identifiers: ClinVar variation 1169341 (VCV001169341.22), dbSNP rs4482616, ClinGen allele CA2576958.